The following is an entry in ClinVar:

ClinVar aggregate classification (germline): Benign/Likely benign. Review status: criteria provided, multiple submitters, no conflicts (2 of 4 stars). 7 submissions from 7 submitters: Benign (3); Likely benign (1). 3 of the submissions do not count toward it. Last evaluated 2025-04-25.

Conditions:
Polycystic kidney disease. Also called: Kidney, Polycystic; Polycystic kidney dysplasia. Identifiers: MedGen C0022680, MeSH D007690, MONDO:0020642, HP:0000113.

Allele frequency attached by ClinVar (database versions not stated): TOPMed 0.00611; 1000 Genomes Project 30x 0.00687; 1000 Genomes Project 0.00699.
gnomAD v4.1: 1,408 of 1,244,782 alleles (0.11%); highest among the groups gnomAD compares: African/African-American, 1.9%; 20 homozygotes.

Submissions (7):

Women's Health and Genetics/Laboratory Corporation of America, LabCorp
Classification: Likely benign. Last evaluated: 2025-04-25. Review status: criteria provided, single submitter. Criteria: LabCorp Variant Classification Summary - May 2015. Collection method: clinical testing. Allele origin: germline.

Mayo Clinic Laboratories, Mayo Clinic
Classification: Benign. Last evaluated: 2025-01-21. Review status: criteria provided, single submitter. Criteria: ACMG Guidelines, 2015. Collection method: clinical testing. Allele origin: germline. Observed: 4 variant alleles.
Comment: BS1, BS2, BP4, BP7

GeneDx
Classification: Benign. Last evaluated: 2020-04-01. Review status: criteria provided, single submitter. Criteria: GeneDx Variant Classification Process June 2021. Collection method: clinical testing. Allele origin: germline. Affected: yes.

Athena Diagnostics
Classification: Benign. Last evaluated: 2017-04-26. Review status: criteria provided, single submitter. Criteria: Athena Diagnostics Criteria. Collection method: clinical testing. Allele origin: germline.

Clinical Genetics DNA and cytogenetics Diagnostics Lab, Erasmus MC, Erasmus Medical Center
Classification: Benign. Review status: no assertion criteria provided. Collection method: clinical testing. Allele origin: germline. Affected: yes. Study: VKGL Data-share Consensus. Not counted in ClinVar's aggregate classification.

Department of Pathology and Laboratory Medicine, Sinai Health System
Classification: Benign for Polycystic Kidney disease. Review status: no assertion criteria provided. Collection method: clinical testing. Allele origin: unknown. Affected: yes. Study: The Canadian Open Genetics Repository (COGR). Not counted in ClinVar's aggregate classification.
Comment: The PKD1 p.His201His variant was not identified in the literature nor was it identified in the Clinvitae, ClinVar, GeneInsight COGR, MutDB, PKD1-LOVD, PKD1-LOVD 3.0 databases nor in the NHLBI GO Exome Sequencing Project. The variant was identified in dbSNP (ID: rs13334842) as â€šÃ„ÃºNAâ€šÃ„Ã¹ and in the ADPKD Mutation Database as likely neutral. The variant was further identified in the 1000 Genomes Project in 35 of 5000 chromosomes (frequency: 0.007); and in the Exome Aggregation Consortium database (August 8, 2016) in 9 (1 homozygous) of 11240 chromosomes (frequency: 0.0008) in the African population but not seen the East Asian, European (Non-Finnish), Latino, South Asian or European (Finnish) populations. In addition we cannot be certain that data from control databases is specific to PKD1 and not from one of the six PKD1 pseudogenes. The p.His201His variant is not expected to have clinical significance because it does not result in a change of amino acid and is not located in a known consensus splice site. In addition, in silico or computational prediction software programs (SpliceSiteFinder, MaxEntScan, NNSPLICE, GeneSplicer, and HumanSpliceFinder) do not predict a difference in splicing. In summary, based on the above information, this variant meets our laboratory criteria to be classified as benign.

Genome Diagnostics Laboratory, University Medical Center Utrecht
Classification: Benign. Review status: no assertion criteria provided. Collection method: clinical testing. Allele origin: germline. Affected: yes. Study: VKGL Data-share Consensus. Not counted in ClinVar's aggregate classification.

NM_001009944.3(PKD1):c.603C>T (p.His201=)

Gene: PKD1 (polycystin 1, transient receptor potential channel interacting; minus strand). Cytogenetic location: 16p13.3.
Variant type: single nucleotide variant.
Coding change: c.603C>T on transcript NM_001009944.3 (MANE Select); coding-DNA position 603, C replaced by T.
Protein change: p.His201=; no amino-acid change (histidine 201 retained).
Molecular consequence: synonymous variant.
Genome position (GRCh38, 1-based): chr16:2,118,389, G>A on the plus strand (C>T on the coding strand, the complement: PKD1 is on the minus strand). VCF-style: chr16-2118389-G-A. GRCh37 (hg19) VCF-style: chr16-2168390-G-A.
Other names: p.His201=; c.603C>T, p.His201= (NM_000296.4).
Identifiers: ClinVar variation 433942 (VCV000433942.8), dbSNP rs13334842, ClinGen allele CA7833690.